The following is an entry in ClinVar:

NM_005585.5(SMAD6):c.1374del (p.Tyr459fs)

Gene: SMAD6 (SMAD family member 6; plus strand). Cytogenetic location: 15q22.31.
Variant type: Deletion.
Coding change: c.1374del on transcript NM_005585.5 (MANE Select); coding-DNA position 1374, one base deleted (C; older notation c.1374delC).
Protein change: p.Tyr459fs; shifts the reading frame from tyrosine 459.
Molecular consequence: frameshift variant. On other transcripts: non-coding transcript variant (1).
Genome position (GRCh38, 1-based): chr15:66,781,418, C deleted; the last of 4 consecutive C bases (chr15:66,781,415-66,781,418); deleting any one gives the same sequence. VCF-style (leftmost placement, unchanged base first): chr15-66781414-GC-G. GRCh37 (hg19) VCF-style: chr15-67073752-GC-G.
Other names: short protein forms Y459fs.
Identifiers: ClinVar variation 4795619 (VCV004795619.1).

ClinVar aggregate classification (germline): Uncertain significance (1 of 4 stars; one submission).

Submission:

GeneDx
Classification: Uncertain significance. Last evaluated: 2025-08-11. Review status: criteria provided, single submitter. Criteria: GeneDx Variant Classification Process June 2021. Collection method: clinical testing. Allele origin: germline. Affected: yes.
Comment: Frameshift variant predicted to result in abnormal protein length as the last 38 amino acid(s) are replaced with 79 different amino acid(s); Has not been previously published as pathogenic or benign to our knowledge; Not observed at significant frequency in large population cohorts (gnomAD)